The following is an entry in ClinVar:

ClinVar aggregate classification (germline): Uncertain significance (1 of 4 stars; one submission).

Conditions:
Hereditary cancer-predisposing syndrome. Also called: Hereditary Cancer Syndrome; Tumor predisposition; Hereditary neoplastic syndrome; Neoplastic Syndromes, Hereditary. Identifiers: Orphanet 140162, MedGen C0027672, MeSH D009386, MONDO:0015356.

Submission:

Hereditary Cancer Group, L’Institut d'Investigació Biomèdica de Bellvitge
Classification: Uncertain significance for Hereditary cancer-predisposing syndrome. Last evaluated: 2024-12-19. Review status: criteria provided, single submitter. Criteria: Hatton et al. (Hum Mutat. 2023). Collection method: clinical testing. Allele origin: germline. Inheritance: Autosomal dominant inheritance. Affected: yes.
Comment: PM2_supporting

NM_177438.3(DICER1):c.2988-4del

Gene: DICER1 (dicer 1, ribonuclease III; minus strand). Cytogenetic location: 14q32.13.
Variant type: Deletion.
Coding change: c.2988-4del on transcript NM_177438.3 (MANE Select); 4 bases into the intron before coding-DNA position 2988, one base deleted (A; older notation c.2988-4delA).
Molecular consequence: intron variant. On other transcripts: non-coding transcript variant (1).
Genome position (GRCh38, 1-based): chr14:95,105,787, T deleted on the plus strand (A on the coding strand, the reverse complement: DICER1 is on the minus strand). VCF-style (leftmost placement, unchanged base first): chr14-95105786-GT-G. GRCh37 (hg19) VCF-style: chr14-95572123-GT-G.
Other names: c.2988-4del (NM_001291628.2, NM_030621.4, NM_001395677.1 and 12 more transcripts); c.2583-4del (NM_001395690.1, NM_001395687.1, NM_001395689.1 and 2 more transcripts); c.2706-4del (NM_001395686.1); c.2421-4del (NM_001395691.1); c.1305-4del (NM_001395697.1).
Identifiers: ClinVar variation 3393362 (VCV003393362.1).
Genomic context (GRCh38, chr14:95,105,786, plus strand): 5'-GCTTAAAGGAAGCGCTTTCCCCTTCTGATTCAAATGTCGAGGTGTCAAAAGATTAAGTCT[GT>G]AAGAATTCCAAAACAATTTTATCAAACACACAAAAATGAGTACATATTCACAGTGGTTCT-3'